The following is an entry in ClinVar:

NM_001267550.2(TTN):c.70922_70923delinsG (p.Lys23641fs)

Genes: TTN-AS1 (TTN antisense RNA 1; plus strand), TTN (titin; minus strand). Cytogenetic location: 2q31.2.
Variant type: Indel.
Coding change: c.70922_70923delinsG on transcript NM_001267550.2 (MANE Select); coding-DNA positions 70922 to 70923, AA replaced by G.
Protein change: p.Lys23641fs; shifts the reading frame from lysine 23641.
Molecular consequence: frameshift variant.
Genome position (GRCh38, 1-based): chr2:178,575,209-178,575,210, TT replaced by C on the plus strand (AA replaced by G on the coding strand, the reverse complement: TTN is on the minus strand). VCF-style: chr2-178575209-TT-C. GRCh37 (hg19) VCF-style: chr2-179439936-TT-C.
Other names: c.65999_66000delinsG, p.Lys22000fs (NM_001256850.1); c.43727_43728delinsG, p.Lys14576fs (NM_003319.4); c.63218_63219delinsG, p.Lys21073fs (NM_133378.4); c.44102_44103delinsG, p.Lys14701fs (NM_133432.3); c.44303_44304delinsG, p.Lys14768fs (NM_133437.4); short protein forms K22000fs, K23641fs, K14768fs, K14576fs, K14701fs, K21073fs.
Identifiers: ClinVar variation 965084 (VCV000965084.6), dbSNP rs1709617800, ClinGen allele CA1139657512.

ClinVar aggregate classification (germline): Likely pathogenic (1 of 4 stars; one submission).

Conditions:
Dilated cardiomyopathy 1G (CMD1G). Identifiers: Orphanet 154, MedGen C1858763, MONDO:0011400, OMIM 604145.
Autosomal recessive limb-girdle muscular dystrophy type 2J (LGMDR10). Also called: Limb-girdle muscular dystrophy, type 2J; MUSCULAR DYSTROPHY, LIMB-GIRDLE, AUTOSOMAL RECESSIVE 10. Identifiers: Orphanet 140922, MedGen C1837342, MONDO:0012127, OMIM 608807.

Submission:

Labcorp Genetics (formerly Invitae), Labcorp
Classification: Likely pathogenic for Dilated cardiomyopathy 1G; Autosomal recessive limb-girdle muscular dystrophy type 2J. Last evaluated: 2022-08-23. Review status: criteria provided, single submitter. Criteria: Invitae Variant Classification Sherloc (09022015). Collection method: clinical testing. Allele origin: germline.
Comment: This sequence change creates a premature translational stop signal (p.Lys23641Serfs*25) in the TTN gene. While this is not anticipated to result in nonsense mediated decay, it is expected to create a truncated TTN protein. This variant is not present in population databases (gnomAD no frequency). This variant has not been reported in the literature in individuals affected with TTN-related conditions. This variant is located in the A band of TTN (PMID: 25589632). Truncating variants in this region are significantly overrepresented in patients affected with dilated cardiomyopathy (PMID: 25589632). Truncating variants in this region have also been reported in individuals affected with autosomal recessive centronuclear myopathy (PMID: 23975875). In summary, the currently available evidence indicates that the variant is pathogenic, but additional data are needed to prove that conclusively. Therefore, this variant has been classified as Likely Pathogenic.

Literature cited by the submitters: PubMed 25589632; PubMed 23975875.